The following is an entry in ClinVar:

NM_001868.4(CPA1):c.344A>T (p.Asp115Val)

Gene: CPA1 (carboxypeptidase A1; plus strand). Cytogenetic location: 7q32.2.
Variant type: single nucleotide variant.
Coding change: c.344A>T on transcript NM_001868.4 (MANE Select); coding-DNA position 344, A replaced by T.
Protein change: p.Asp115Val; replaces aspartic acid 115 with valine.
Molecular consequence: missense variant.
Genome position (GRCh38, 1-based): chr7:130,381,826, A>T. VCF-style: chr7-130381826-A-T. GRCh37 (hg19) VCF-style: chr7-130021667-A-T.
Other names: short protein forms D115V.
Identifiers: ClinVar variation 3496206 (VCV003496206.1).

ClinVar aggregate classification (germline): Uncertain significance (1 of 4 stars; one submission).

Conditions:
Hereditary pancreatitis (PCTT). Also called: Hereditary chronic pancreatitis; PRSS1-Related Hereditary Pancreatitis. Identifiers: Orphanet 676, MedGen C0238339, MONDO:0008185, OMIM 167800.

Submission:

Ambry Genetics
Classification: Uncertain significance for Hereditary pancreatitis. Last evaluated: 2024-09-22. Review status: criteria provided, single submitter. Criteria: Ambry Variant Classification Scheme 2023. Collection method: clinical testing. Allele origin: germline.
Comment: The p.D115V variant (also known as c.344A>T), located in coding exon 3 of the CPA1 gene, results from an A to T substitution at nucleotide position 344. The aspartic acid at codon 115 is replaced by valine, an amino acid with highly dissimilar properties. This amino acid position is conserved. In addition, this alteration is predicted to be tolerated by in silico analysis. Based on the available evidence, the clinical significance of this variant remains unclear.